The following is an entry in ClinVar:

NM_000384.3(APOB):c.5350G>A (p.Val1784Ile)

Gene: APOB (apolipoprotein B; minus strand). Cytogenetic location: 2p24.1.
Variant type: single nucleotide variant.
Coding change: c.5350G>A on transcript NM_000384.3 (MANE Select); coding-DNA position 5350, G replaced by A.
Protein change: p.Val1784Ile; replaces valine 1784 with isoleucine.
Molecular consequence: missense variant.
Genome position (GRCh38, 1-based): chr2:21,011,518, C>T on the plus strand (G>A on the coding strand, the complement: APOB is on the minus strand). VCF-style: chr2-21011518-C-T. GRCh37 (hg19) VCF-style: chr2-21234390-C-T.
Other names: short protein forms V1784I.
Identifiers: ClinVar variation 5027429 (VCV005027429.1).

ClinVar aggregate classification (germline): Uncertain significance (1 of 4 stars; one submission).

Conditions:
Cardiovascular phenotype. Identifiers: MedGen CN230736.

Submission:

Ambry Genetics
Classification: Uncertain significance for Cardiovascular phenotype. Last evaluated: 2026-07-02. Review status: criteria provided, single submitter. Criteria: Ambry Variant Classification Scheme 2023. Collection method: clinical testing. Allele origin: germline.
Comment: The p.V1784I variant (also known as c.5350G>A), located in coding exon 26 of the APOB gene, results from a G to A substitution at nucleotide position 5350. The valine at codon 1784 is replaced by isoleucine, an amino acid with highly similar properties. This amino acid position is conserved. In addition, this alteration is predicted to be tolerated by in silico analysis. Based on the available evidence, the clinical significance of this variant remains unclear.